The following is an entry in ClinVar:

ClinVar aggregate classification (germline): Uncertain significance (1 of 4 stars; one submission).

gnomAD v4.1: 17 of 1,612,884 alleles (0.0011%); highest among the groups gnomAD compares: Non-Finnish European, 0.0014%; no homozygotes.

Submission:

Labcorp Genetics (formerly Invitae), Labcorp
Classification: Uncertain significance. Last evaluated: 2021-12-25. Review status: criteria provided, single submitter. Criteria: Invitae Variant Classification Sherloc (09022015). Collection method: clinical testing. Allele origin: germline.
Comment: This variant has not been reported in the literature in individuals affected with WFS1-related conditions. Advanced modeling of protein sequence and biophysical properties (such as structural, functional, and spatial information, amino acid conservation, physicochemical variation, residue mobility, and thermodynamic stability) performed at Invitae indicates that this missense variant is not expected to disrupt WFS1 protein function. In summary, the available evidence is currently insufficient to determine the role of this variant in disease. Therefore, it has been classified as a Variant of Uncertain Significance. This variant is not present in population databases (gnomAD no frequency). This sequence change replaces methionine, which is neutral and non-polar, with isoleucine, which is neutral and non-polar, at codon 781 of the WFS1 protein (p.Met781Ile).

NM_006005.3(WFS1):c.2343G>C (p.Met781Ile)

Gene: WFS1 (wolframin ER transmembrane glycoprotein; plus strand). Cytogenetic location: 4p16.1.
Variant type: single nucleotide variant.
Coding change: c.2343G>C on transcript NM_006005.3 (MANE Select); coding-DNA position 2343, G replaced by C.
Protein change: p.Met781Ile; replaces methionine 781 with isoleucine.
Molecular consequence: missense variant.
Genome position (GRCh38, 1-based): chr4:6,302,138, G>C. VCF-style: chr4-6302138-G-C. GRCh37 (hg19) VCF-style: chr4-6303865-G-C.
Other names: c.2343G>C, p.Met781Ile (NM_001145853.1); short protein forms M781I.
Identifiers: ClinVar variation 2166853 (VCV002166853.4), dbSNP rs760705276, ClinGen allele CA356178402.